The following is an entry in ClinVar:

ClinVar aggregate classification (germline): Likely pathogenic (1 of 4 stars; one submission).

Conditions:
Autosomal recessive osteopetrosis 8. Identifiers: Orphanet 667, MedGen C3554478, MONDO:0014040, OMIM 615085.

Submission:

Neuberg Centre For Genomic Medicine, NCGM
Classification: Likely pathogenic for Autosomal recessive osteopetrosis 8. Review status: criteria provided, single submitter. Criteria: ACMG Guidelines, 2015. Collection method: clinical testing. Allele origin: germline. Inheritance: Autosomal recessive inheritance. Affected: yes.
Comment: The frameshift c.302del(p.Phe101SerfsTer25) variant in SNX10 gene has not been reported previously as a pathogenic variant nor as a benign variant, to our knowledge. The p.Phe101SerfsTer25 variant is novel (not in any individuals) in gnomAD Exomes and 1000 Genomes. This variant has not been reported to the ClinVar database. This variant causes a frameshift starting with codon Phenylalanine 101, changes this amino acid to Serine residue, and creates a premature Stop codon at position 25 of the new reading frame, denoted p.Phe101SerfsTer25. This variant is predicted to cause loss of normal protein function through protein truncation. Loss of function variants have been previously reported to be disease causing. Functional studies are required to prove pathogenicity of the variant. For these reasons, this variant has been classified as Likely Pathogenic.

NM_013322.3(SNX10):c.302del (p.Phe101fs)

Gene: SNX10 (sorting nexin 10; plus strand). Cytogenetic location: 7p15.2.
Variant type: Deletion.
Coding change: c.302del on transcript NM_013322.3 (MANE Select); coding-DNA position 302, one base deleted (T; older notation c.302delT).
Protein change: p.Phe101fs; shifts the reading frame from phenylalanine 101.
Molecular consequence: frameshift variant.
Genome position (GRCh38, 1-based): chr7:26,365,136, T deleted; the last of 3 consecutive T bases (chr7:26,365,134-26,365,136); deleting any one gives the same sequence. VCF-style (leftmost placement, unchanged base first): chr7-26365133-AT-A. GRCh37 (hg19) VCF-style: chr7-26404753-AT-A.
Other names: c.302del, p.Phe101fs (NM_001199835.1, NM_001318199.3); c.293del, p.Phe98fs (NM_001199837.3); c.50del, p.Phe17fs (NM_001199838.2); c.380del, p.Phe127fs (NM_001318198.1, NM_001362753.1, NM_001362754.1); short protein forms F101fs, F127fs, F17fs, F98fs.
Identifiers: ClinVar variation 2663932 (VCV002663932.1), dbSNP rs2536153865, ClinGen allele CA2695198462.